The following is an entry in ClinVar:

ClinVar aggregate classification (germline): Likely benign. Review status: criteria provided, multiple submitters, no conflicts (2 of 4 stars). 2 submissions from 2 submitters: Likely benign (2). Last evaluated 2023-11-06.

Allele frequency attached by ClinVar (database versions not stated): gnomAD exomes 0.00001.
gnomAD v4.1: 11 of 1,567,184 alleles (0.0007%); highest among the groups gnomAD compares: Non-Finnish European, 0.00095%; no homozygotes.

Submissions (2):

Labcorp Genetics (formerly Invitae), Labcorp
Classification: Likely benign. Last evaluated: 2023-11-06. Review status: criteria provided, single submitter. Criteria: Invitae Variant Classification Sherloc (09022015). Collection method: clinical testing. Allele origin: germline.

Laboratory for Molecular Medicine, Mass General Brigham Personalized Medicine
Classification: Likely benign. Last evaluated: 2014-01-02. Review status: criteria provided, single submitter. Criteria: LMM Criteria. Collection method: clinical testing. Allele origin: germline. Observed: 1 variant allele.
Comment: Glu1986Glu in exon 26 of MYO15A: This variant is not expected to have clinical s ignificance because it does not alter an amino acid residue and is not located w ithin the splice consensus sequence.

NM_016239.4(MYO15A):c.5958G>A (p.Glu1986=)

Gene: MYO15A (myosin XVA; plus strand). Cytogenetic location: 17p11.2.
Variant type: single nucleotide variant.
Coding change: c.5958G>A on transcript NM_016239.4 (MANE Select); coding-DNA position 5958, G replaced by A.
Protein change: p.Glu1986=; no amino-acid change (glutamic acid 1986 retained).
Molecular consequence: synonymous variant.
Genome position (GRCh38, 1-based): chr17:18,143,613, G>A. VCF-style: chr17-18143613-G-A. GRCh37 (hg19) VCF-style: chr17-18046927-G-A.
Identifiers: ClinVar variation 179511 (VCV000179511.7), dbSNP rs727504916, ClinGen allele CA184567.